The following is an entry in ClinVar:

NM_001148.6(ANK2):c.4393C>A (p.Gln1465Lys)

Gene: ANK2 (ankyrin 2; plus strand). Cytogenetic location: 4q26.
Variant type: single nucleotide variant.
Coding change: c.4393C>A on transcript NM_001148.6 (MANE Select); coding-DNA position 4393, C replaced by A.
Protein change: p.Gln1465Lys; replaces glutamine 1465 with lysine.
Molecular consequence: missense variant. On other transcripts: intron variant (8).
Genome position (GRCh38, 1-based): chr4:113,348,297, C>A. VCF-style: chr4-113348297-C-A. GRCh37 (hg19) VCF-style: chr4-114269453-C-A.
Other names: c.4366C>A, p.Gln1456Lys (NM_001127493.3); c.4405C>A, p.Gln1469Lys (NM_001354225.2); c.4294C>A, p.Gln1432Lys (NM_001354228.2, NM_001354258.2); c.4372C>A, p.Gln1458Lys (NM_001354230.2); c.4435C>A, p.Gln1479Lys (NM_001354231.2, NM_001354242.2); c.4429C>A, p.Gln1477Lys (NM_001354232.2); c.4390C>A, p.Gln1464Lys (NM_001354235.2, NM_001354246.2, NM_001354265.2); c.4291C>A, p.Gln1431Lys (NM_001354236.2); and 33 more; short protein forms Q1456K, Q1465K, Q1337K, Q1390K, Q1432K, Q1458K, Q1469K, Q1479K.
Identifiers: ClinVar variation 519079 (VCV000519079.16), dbSNP rs761254386, ClinGen allele CA3051078.

ClinVar aggregate classification (germline): Uncertain significance. Review status: criteria provided, multiple submitters, no conflicts (2 of 4 stars). 5 submissions from 5 submitters: Uncertain significance (5). Last evaluated 2025-08-05.

Conditions:
Cardiovascular phenotype. Identifiers: MedGen CN230736.
Long QT syndrome (LQTS). Identifiers: MedGen C0023976, MeSH D008133, MONDO:0002442. Disease mechanism: loss of function. Inheritance: Various modes of inheritance.
Cardiac arrhythmia, ankyrin-B-related. Also called: ANKYRIN-B SYNDROME. Identifiers: Orphanet 101016, Orphanet 768, MedGen C1970119, MONDO:0010958, OMIM 600919.

Allele frequency attached by ClinVar (database versions not stated): ExAC 0.00001; TOPMed 0.00001; gnomAD exomes 0.00002 and 0.00001; gnomAD 0.00001.
gnomAD v4.1: 26 of 1,613,240 alleles (0.0016%); highest among the groups gnomAD compares: Non-Finnish European, 0.002%; no homozygotes.

Submissions (5):

Labcorp Genetics (formerly Invitae), Labcorp
Classification: Uncertain significance for Long QT syndrome. Last evaluated: 2025-08-05. Review status: criteria provided, single submitter. Criteria: Invitae Variant Classification Sherloc (09022015). Collection method: clinical testing. Allele origin: germline.
Comment: This sequence change replaces glutamine, which is neutral and polar, with lysine, which is basic and polar, at codon 1465 of the ANK2 protein (p.Gln1465Lys). This variant is present in population databases (rs761254386, gnomAD 0.003%). This variant has not been reported in the literature in individuals affected with ANK2-related conditions. ClinVar contains an entry for this variant (Variation ID: 519079). Invitae Evidence Modeling of protein sequence and biophysical properties (such as structural, functional, and spatial information, amino acid conservation, physicochemical variation, residue mobility, and thermodynamic stability) indicates that this missense variant is not expected to disrupt ANK2 protein function with a negative predictive value of 80%. In summary, the available evidence is currently insufficient to determine the role of this variant in disease. Therefore, it has been classified as a Variant of Uncertain Significance.

Ambry Genetics
Classification: Uncertain significance for Cardiovascular phenotype. Last evaluated: 2024-01-29. Review status: criteria provided, single submitter. Criteria: Ambry Variant Classification Scheme 2023. Collection method: clinical testing. Allele origin: germline.

Women's Health and Genetics/Laboratory Corporation of America, LabCorp
Classification: Uncertain significance. Last evaluated: 2023-01-21. Review status: criteria provided, single submitter. Criteria: LabCorp Variant Classification Summary - May 2015. Collection method: clinical testing. Allele origin: germline.
Comment: Variant summary: ANK2 c.4393C>A (p.Gln1465Lys) results in a conservative amino acid change in the encoded protein sequence. Four of five in-silico tools predict a benign effect of the variant on protein function. The variant allele was found at a frequency of 1.2e-05 in 251068 control chromosomes (gnomAD). The available data on variant occurrences in the general population are insufficient to allow any conclusion about variant significance. To our knowledge, no occurrence of c.4393C>A in individuals affected with Arrhythmia and no experimental evidence demonstrating its impact on protein function have been reported. Three ClinVar submitters have assessed the variant since 2014: all three classified the variant as uncertain significance. Based on the evidence outlined above, the variant was classified as uncertain significance.

Fulgent Genetics
Classification: Uncertain significance for Cardiac arrhythmia, ankyrin-B-related. Last evaluated: 2021-09-03. Review status: criteria provided, single submitter. Criteria: ACMG Guidelines, 2015. Collection method: clinical testing. Allele origin: unknown.

Center for Genomics, Ann and Robert H. Lurie Children's Hospital of Chicago
Classification: Uncertain significance for Cardiac arrhythmia, ankyrin-B-related. Review status: criteria provided, single submitter. Criteria: ACMG Guidelines, 2015. Collection method: clinical testing. Allele origin: germline.
Comment: ANK2 NM_001148.5 exon 36 p.Gln1465Lys (c.4393C>A): This variant has not been reported in the literature and is present in 0.002% (3/111442) of European alleles in the Genome Aggregation Database. This variant is present in ClinVar (Variation ID:519079). Evolutionary conservation and computational predictive tools for this variant are unclear. In summary, data on this variant is insufficient for disease classification. Therefore, the clinical significance of this variant is uncertain.